The following is an entry in ClinVar:

NM_004168.4(SDHA):c.771-17_771-11del

Gene: SDHA (succinate dehydrogenase complex flavoprotein subunit A; plus strand). Cytogenetic location: 5p15.33.
Variant type: Deletion.
Coding change: c.771-17_771-11del on transcript NM_004168.4 (MANE Select); 17 bases into the intron before coding-DNA position 771 through 11 bases into the intron before coding-DNA position 771, 7 bases deleted (CTCTCTA; older notation c.771-17_771-11delCTCTCTA).
Molecular consequence: intron variant.
Genome position (GRCh38, 1-based): chr5:230,859-230,865, CTCTCTA deleted. VCF-style (leftmost placement, unchanged base first): chr5-230858-GCTCTCTA-G. GRCh37 (hg19) VCF-style: chr5-230973-GCTCTCTA-G.
Other names: c.771-17_771-11del (NM_001330758.2); c.627-17_627-11del (NM_001294332.2).
Identifiers: ClinVar variation 1692761 (VCV001692761.1), dbSNP rs1216026111, ClinGen allele CA557112978.

ClinVar aggregate classification (germline): Uncertain significance (1 of 4 stars; one submission).

Conditions:
Hereditary cancer-predisposing syndrome. Also called: Hereditary neoplastic syndrome; Tumor predisposition; Neoplastic Syndromes, Hereditary; Hereditary Cancer Syndrome. Identifiers: Orphanet 140162, MedGen C0027672, MeSH D009386, MONDO:0015356.

Allele frequency attached by ClinVar (database versions not stated): gnomAD 0.00001; gnomAD exomes 0.00001.

Submission:

Sema4
Classification: Uncertain significance for Hereditary cancer-predisposing syndrome. Last evaluated: 2021-10-18. Review status: criteria provided, single submitter. Criteria: Sema4 Curation Guidelines. Collection method: curation. Allele origin: germline.
Comment: The SDHA c.771-17_771-11delCTCTCTA variant has not been reported in the literature to our knowledge. It was observed in 1/15356 chromosomes of the Non-Finnish European subpopulation in the large and broad cohorts of the Genome Aggregation Database (PMID: 32461654). The variant has not been reported in ClinVar. This variant does not overlap a splice site and algorithms developed to predict the effect of sequence changes on RNA splicing do not suggest negative effect on normal splicing. These predictions have not been confirmed by published functional studies. There is no indication that this variant causes disease, but the evidence is insufficient currently to prove that conclusively. Thus, the clinical significance of this variant is currently uncertain.